The following is an entry in ClinVar:

ClinVar aggregate classification (germline): Likely benign (0 of 4 stars; one submission).

Conditions:
ZMYND8-related disorder. Also called: ZMYND8-related condition.

Allele frequency attached by ClinVar (database versions not stated): ESP Exome Variant Server 0.00008; gnomAD exomes 0.00014; ExAC 0.00029; gnomAD 0.00046; TOPMed 0.00048; 1000 Genomes Project 0.00120; 1000 Genomes Project 30x 0.00125.
gnomAD v4.1: 274 of 1,613,988 alleles (0.017%); highest among the groups gnomAD compares: East Asian, 0.25%; no homozygotes.

Submission:

PreventionGenetics, part of Exact Sciences
Classification: Likely benign for ZMYND8-related condition. Last evaluated: 2023-02-20. Review status: no assertion criteria provided. Collection method: clinical testing. Allele origin: germline.
Comment: This variant is classified as likely benign based on ACMG/AMP sequence variant interpretation guidelines (Richards et al. 2015 PMID: 25741868, with internal and published modifications).

NM_001281775.3(ZMYND8):c.3623C>T (p.Ser1208Leu)

Gene: ZMYND8 (zinc finger MYND-type containing 8; minus strand). Cytogenetic location: 20q13.12.
Variant type: single nucleotide variant.
Coding change: c.3623C>T on transcript NM_001281775.3 (MANE Select); coding-DNA position 3623, C replaced by T.
Protein change: p.Ser1208Leu; replaces serine 1208 with leucine.
Molecular consequence: missense variant.
Genome position (GRCh38, 1-based): chr20:47,210,843, G>A on the plus strand (C>T on the coding strand, the complement: ZMYND8 is on the minus strand). VCF-style: chr20-47210843-G-A. GRCh37 (hg19) VCF-style: chr20-45839488-G-A.
Other names: c.3083C>T, p.Ser1028Leu (NM_001281771.3); c.3479C>T, p.Ser1160Leu (NM_001281772.3, NM_001363741.2); c.3563C>T, p.Ser1188Leu (NM_001281773.3); c.3425C>T, p.Ser1142Leu (NM_001281774.3); c.3242C>T, p.Ser1081Leu (NM_001281776.3); c.3410C>T, p.Ser1137Leu (NM_001281777.3); c.3464C>T, p.Ser1155Leu (NM_001281778.3); c.2681C>T, p.Ser894Leu (NM_001281779.3); and 9 more; short protein forms S1028L, S1062L, S1081L, S1108L, S1109L, S1110L, S1134L, S1137L.
Identifiers: ClinVar variation 3049108 (VCV003049108.2), dbSNP rs144592314, ClinGen allele CA9893033.